The following is an entry in ClinVar:

NM_024757.5(EHMT1):c.3317dup (p.Asn1106fs)

Gene: EHMT1 (euchromatic histone lysine methyltransferase 1; plus strand). Cytogenetic location: 9q34.3.
Variant type: Duplication.
Coding change: c.3317dup on transcript NM_024757.5 (MANE Select); coding-DNA position 3317, one base duplicated (A; older notation c.3317dupA).
Protein change: p.Asn1106fs; shifts the reading frame from asparagine 1106.
Molecular consequence: frameshift variant.
Genome position (GRCh38, 1-based): chr9:137,816,005, A duplicated; the last of 2 consecutive A bases (chr9:137,816,004-137,816,005); duplicating either gives the same sequence. VCF-style (leftmost placement, unchanged base first): chr9-137816003-C-CA. GRCh37 (hg19) VCF-style: chr9-140710455-C-CA.
Other names: c.3315_3316insA (NM_024757.5); c.3296dup, p.Asn1099fs (NM_001354263.2); short protein forms N1099fs, N1106fs.
Identifiers: ClinVar variation 3391424 (VCV003391424.1).

ClinVar aggregate classification (germline): Pathogenic (1 of 4 stars; one submission).

Conditions:
Kleefstra syndrome 1 (KLEFS1). Identifiers: Orphanet 261494, MedGen C0795833, MONDO:0027407, OMIM 610253.

Submission:

Clinical Genetics Center, Xinhua Hospital affiliated to Shanghai Jiao Tong University School of Medicine
Classification: Pathogenic for Kleefstra syndrome 1. Last evaluated: 2024-11-01. Review status: criteria provided, single submitter. Criteria: ACMG Guidelines, 2015. Collection method: clinical testing. Allele origin: de novo. Affected: yes.
Comment: PVS1+PM6+PM2_Supporting